The following is an entry in ClinVar:

ClinVar aggregate classification (germline): Likely benign. Review status: criteria provided, single submitter (1 of 4 stars). 2 submissions from 2 submitters: Likely benign (1). 1 of the submissions does not count toward it. Last evaluated 2025-08-25.

Conditions:
RYR1-related disorder. Also called: RYR1-related condition; RYR1-related disorders. Identifiers: MedGen CN239331.
Malignant hyperthermia, susceptibility to, 1 (MHS1). Also called: RYR1-Related Malignant Hyperthermia Susceptibility; Anesthesia related hyperthermia; Malignant hyperpyrexia; Fulminating hyperpyrexia; Pharmacogenic myopathy; Malignant hyperthermia suceptibility 1. Identifiers: Orphanet 423, MedGen C2930980, MONDO:0007783, OMIM 145600.

Allele frequency attached by ClinVar (database versions not stated): gnomAD exomes below 0.00001; ExAC 0.00001; gnomAD 0.00001; TOPMed 0.00001.
gnomAD v4.1: 4 of 1,612,324 alleles (0.00025%); highest among the groups gnomAD compares: South Asian, 0.0033%; no homozygotes.

Submissions (2):

Color Diagnostics, LLC DBA Color Health
Classification: Likely benign for Malignant hyperthermia, susceptibility to, 1. Last evaluated: 2025-08-25. Review status: criteria provided, single submitter. Criteria: ACMG Guidelines, 2015. Collection method: clinical testing. Allele origin: germline.

PreventionGenetics, part of Exact Sciences
Classification: Likely benign for RYR1-related condition. Last evaluated: 2023-04-05. Review status: no assertion criteria provided. Collection method: clinical testing. Allele origin: germline. Not counted in ClinVar's aggregate classification.
Comment: This variant is classified as likely benign based on ACMG/AMP sequence variant interpretation guidelines (Richards et al. 2015 PMID: 25741868, with internal and published modifications).

NM_000540.3(RYR1):c.7324-5C>T

Gene: RYR1 (ryanodine receptor 1; plus strand). Cytogenetic location: 19q13.2.
Variant type: single nucleotide variant.
Coding change: c.7324-5C>T on transcript NM_000540.3 (MANE Select); 5 bases into the intron before coding-DNA position 7324, C replaced by T.
Molecular consequence: intron variant.
Genome position (GRCh38, 1-based): chr19:38,500,601, C>T. VCF-style: chr19-38500601-C-T. GRCh37 (hg19) VCF-style: chr19-38991241-C-T.
Other names: c.7324-5C>T (NM_001042723.2).
Identifiers: ClinVar variation 3047636 (VCV003047636.3), dbSNP rs745427916, ClinGen allele CA069538.